The following is an entry in ClinVar:

NM_000551.4(VHL):c.464-18T>C

Genes: VHL (von Hippel-Lindau tumor suppressor; plus strand), LOC107303340 (3p25 von Hippel-Lindau tumor suppressor, E3 ubiquitin protein ligase Alu-mediated recombination region; plus strand). Cytogenetic location: 3p25.3.
Variant type: single nucleotide variant.
Coding change: c.464-18T>C on transcript NM_000551.4 (MANE Select); 18 bases into the intron before coding-DNA position 464, T replaced by C.
Molecular consequence: intron variant.
Genome position (GRCh38, 1-based): chr3:10,149,769, T>C. VCF-style: chr3-10149769-T-C. GRCh37 (hg19) VCF-style: chr3-10191453-T-C.
Other names: c.*18-18T>C (NM_001354723.2); c.341-18T>C (NM_198156.3).
Identifiers: ClinVar variation 4071203 (VCV004071203.1).

ClinVar aggregate classification (germline): Likely benign (1 of 4 stars; one submission).

Conditions:
Von Hippel-Lindau syndrome (VHLS). Also called: Von Hippel-Lindau; von Hippel–Lindau syndrome; VHL syndrome. Identifiers: Orphanet 892, MedGen C0019562, MONDO:0008667, OMIM 193300. Disease mechanism: loss of function.

Submission:

Myriad Genetics, Inc.
Classification: Likely benign for Von Hippel-Lindau syndrome. Last evaluated: 2025-06-12. Review status: criteria provided, single submitter. Criteria: Myriad Autosomal Dominant, Autosomal Recessive and X-Linked Classification Criteria (2023). Collection method: clinical testing. Allele origin: unknown.
Comment: This variant is considered likely benign. This variant is intronic and is not expected to impact mRNA splicing.